The following is an entry in ClinVar:

ClinVar aggregate classification (germline): Uncertain significance (1 of 4 stars; one submission).

Conditions:
Inborn genetic diseases. Identifiers: MedGen C0950123, MeSH D030342.

gnomAD v4.1: 1 of 1,594,174 alleles (0.000063%); highest among the groups gnomAD compares: Non-Finnish European, 0.000085%; no homozygotes.

Submission:

Ambry Genetics
Classification: Uncertain significance for Inborn genetic diseases. Last evaluated: 2025-01-26. Review status: criteria provided, single submitter. Criteria: Ambry Variant Classification Scheme 2023. Collection method: clinical testing. Allele origin: germline.
Comment: The p.P8S variant (also known as c.22C>T), located in coding exon 1 of the SAMD9L gene, results from a C to T substitution at nucleotide position 22. The proline at codon 8 is replaced by serine, an amino acid with similar properties. This amino acid position is conserved. In addition, this alteration is predicted to be tolerated by in silico analysis. Based on the available evidence, the clinical significance of this variant remains unclear.

NM_152703.5(SAMD9L):c.22C>T (p.Pro8Ser)

Gene: SAMD9L (sterile alpha motif domain containing 9 like; minus strand). Cytogenetic location: 7q21.2.
Variant type: single nucleotide variant.
Coding change: c.22C>T on transcript NM_152703.5 (MANE Select); coding-DNA position 22, C replaced by T.
Protein change: p.Pro8Ser; replaces proline 8 with serine.
Molecular consequence: missense variant.
Genome position (GRCh38, 1-based): chr7:93,135,950, G>A on the plus strand (C>T on the coding strand, the complement: SAMD9L is on the minus strand). VCF-style: chr7-93135950-G-A. GRCh37 (hg19) VCF-style: chr7-92765263-G-A.
Other names: c.22C>T, p.Pro8Ser (NM_001303496.3, NM_001303497.3, NM_001303498.3 and 5 more transcripts); short protein forms P8S.
Identifiers: ClinVar variation 3792356 (VCV003792356.1).